The following is an entry in ClinVar:

ClinVar aggregate classification (germline): Uncertain significance (1 of 4 stars; one submission).

Conditions:
Congenital disorder of glycosylation, type iit. Also called: CDG IIt. Identifiers: MedGen C5394387, MONDO:0030043, OMIM 618885.

Submission:

MGZ Medical Genetics Center
Classification: Uncertain significance for Congenital disorder of glycosylation, type iit. Last evaluated: 2022-08-10. Review status: criteria provided, single submitter. Criteria: ACMG Guidelines, 2015. Collection method: clinical testing. Allele origin: germline. Affected: yes. Observed: 2 variant alleles.
Comment: ACMG criteria applied: PM2_SUP, PP3

NM_004481.5(GALNT2):c.460A>T (p.Arg154Trp)

Gene: GALNT2 (polypeptide N-acetylgalactosaminyltransferase 2; plus strand). Cytogenetic location: 1q42.13.
Variant type: single nucleotide variant.
Coding change: c.460A>T on transcript NM_004481.5 (MANE Select); coding-DNA position 460, A replaced by T.
Protein change: p.Arg154Trp; replaces arginine 154 with tryptophan.
Molecular consequence: missense variant.
Genome position (GRCh38, 1-based): chr1:230,236,099, A>T. VCF-style: chr1-230236099-A-T. GRCh37 (hg19) VCF-style: chr1-230371845-A-T.
Other names: c.346A>T, p.Arg116Trp (NM_001291866.2); short protein forms R116W, R154W.
Identifiers: ClinVar variation 1709528 (VCV001709528.2), dbSNP rs2527574130, ClinGen allele CA345180541.